The following is an entry in ClinVar:

NM_000719.7(CACNA1C):c.3934T>C (p.Ser1312Pro)

Gene: CACNA1C (calcium voltage-gated channel subunit alpha1 C; plus strand). Cytogenetic location: 12p13.33.
Variant type: single nucleotide variant.
Coding change: c.3934T>C on transcript NM_000719.7 (MANE Select); coding-DNA position 3934, T replaced by C.
Protein change: p.Ser1312Pro; replaces serine 1312 with proline.
Molecular consequence: missense variant. On other transcripts: intron variant (6).
Genome position (GRCh38, 1-based): chr12:2,648,496, T>C. VCF-style: chr12-2648496-T-C. GRCh37 (hg19) VCF-style: chr12-2757662-T-C.
Other names: c.4078T>C, p.Ser1360Pro (NM_001129827.2, NM_199460.4); c.3934T>C, p.Ser1312Pro (NM_001129829.2, NM_001129830.3, NM_001129833.2 and 8 more transcripts); c.4018T>C, p.Ser1340Pro (NM_001129831.2); c.3994T>C, p.Ser1332Pro (NM_001129832.2); c.3925T>C, p.Ser1309Pro (NM_001129844.2); c.3913-3144T>C (NM_001167625.2, NM_001129837.2, NM_001129838.2 and 1 more transcripts); c.3907-3144T>C (NM_001129839.2); c.3997-3144T>C (NM_001129836.2); short protein forms S1312P, S1360P, S1309P, S1340P, S1332P.
Identifiers: ClinVar variation 456968 (VCV000456968.9), dbSNP rs749298267, ClinGen allele CA6389393.
Genomic context (GRCh38, chr12:2,648,496, plus strand): 5'-GACTCATTACAGCTTATCTCTATCTGCCTTTCTTTAAAGCCAGCTGAACATACCCAATGC[T>C]CTCCCTCTATGGTAAGACCAACCCTCCCGACCATGCTCCCGGCTTCCGTGTCCCCCTCTA-3'
Protein context (NP_000710.5, residues 1302-1322): EVNPAEHTQC[Ser1312Pro]PSMNAEENSR

ClinVar aggregate classification (germline): Uncertain significance (1 of 4 stars; one submission).

Conditions:
Long QT syndrome (LQTS). Identifiers: MedGen C0023976, MeSH D008133, MONDO:0002442. Disease mechanism: loss of function. Inheritance: Various modes of inheritance.

Allele frequency attached by ClinVar (database versions not stated): gnomAD exomes below 0.00001; ExAC 0.00001.
gnomAD v4.1: 4 of 1,613,794 alleles (0.00025%); highest among the groups gnomAD compares: Non-Finnish European, 0.00034%; no homozygotes.

Submission:

Labcorp Genetics (formerly Invitae), Labcorp
Classification: Uncertain significance for Long QT syndrome. Last evaluated: 2021-02-04. Review status: criteria provided, single submitter. Criteria: Invitae Variant Classification Sherloc (09022015). Collection method: clinical testing. Allele origin: germline.
Comment: In summary, this variant is a rare missense change that is not predicted to affect protein function. There is no indication that it causes disease, but the available evidence is currently insufficient to prove that conclusively. Therefore, it has been classified as a Variant of Uncertain Significance. Algorithms developed to predict the effect of missense changes on protein structure and function (SIFT, PolyPhen-2, Align-GVGD) all suggest that this variant is likely to be tolerated, but these predictions have not been confirmed by published functional studies. This variant is present in population databases (rs749298267, ExAC 0.001%) but has not been reported in the literature in individuals with a CACNA1C-related disease. This sequence change replaces serine with proline at codon 1312 of the CACNA1C protein (p.Ser1312Pro). The serine residue is weakly conserved and there is a moderate physicochemical difference between serine and proline.